The following is an entry in ClinVar:

ClinVar aggregate classification (germline): Pathogenic. Review status: criteria provided, multiple submitters, no conflicts (2 of 4 stars). 2 submissions from 2 submitters: Pathogenic (2). Last evaluated 2026-04-27.

Conditions:
Hereditary cancer-predisposing syndrome. Also called: Neoplastic Syndromes, Hereditary; Tumor predisposition; Hereditary neoplastic syndrome; Hereditary Cancer Syndrome. Identifiers: Orphanet 140162, MedGen C0027672, MeSH D009386, MONDO:0015356.
Familial cancer of breast. Also called: BREAST CANCER, FAMILIAL; hereditary breast carcinoma; Hereditary breast cancer. Identifiers: Orphanet 227535, MedGen C0346153, MONDO:0016419, OMIM 114480. Disease mechanism: loss of function.

Submissions (2):

Ambry Genetics
Classification: Pathogenic for Hereditary cancer-predisposing syndrome. Last evaluated: 2026-04-27. Review status: criteria provided, single submitter. Criteria: Ambry Variant Classification Scheme 2023. Collection method: clinical testing. Allele origin: germline.
Comment: The p.L316* pathogenic mutation (also known as c.947T>G), located in coding exon 4 of the BARD1 gene, results from a T to G substitution at nucleotide position 947. This changes the amino acid from a leucine to a stop codon within coding exon 4. This variant is considered to be rare based on population cohorts in the Genome Aggregation Database (gnomAD). This alteration is expected to result in loss of function by premature protein truncation or nonsense-mediated mRNA decay. As such, this alteration is interpreted as a disease-causing mutation.

Myriad Genetics, Inc.
Classification: Pathogenic for Familial cancer of breast. Last evaluated: 2023-05-19. Review status: criteria provided, single submitter. Criteria: Myriad Autosomal Dominant, Autosomal Recessive and X-Linked Classification Criteria (2023). Collection method: clinical testing. Allele origin: unknown.
Comment: This variant is considered pathogenic. This variant creates a termination codon and is predicted to result in premature protein truncation.

NM_000465.4(BARD1):c.947T>G (p.Leu316Ter)

Gene: BARD1 (BRCA1 associated RING domain 1; minus strand). Cytogenetic location: 2q35.
Variant type: single nucleotide variant.
Coding change: c.947T>G on transcript NM_000465.4 (MANE Select); coding-DNA position 947, T replaced by G.
Protein change: p.Leu316Ter; replaces leucine 316 with a stop codon.
Molecular consequence: nonsense. On other transcripts: non-coding transcript variant (2), intron variant (3).
Genome position (GRCh38, 1-based): chr2:214,780,927, A>C on the plus strand (T>G on the coding strand, the complement: BARD1 is on the minus strand). VCF-style: chr2-214780927-A-C. GRCh37 (hg19) VCF-style: chr2-215645651-A-C.
Other names: c.890T>G, p.Leu297Ter (NM_001282543.2); c.159-28372T>G (NM_001282548.2); c.215+16134T>G (NM_001282545.2); c.364+11370T>G (NM_001282549.2); short protein forms L316*, L297*.
Identifiers: ClinVar variation 141412 (VCV000141412.6), dbSNP rs587781728, ClinGen allele CA165353.